The following is an entry in ClinVar:

ClinVar aggregate classification (germline): Uncertain significance. Review status: criteria provided, multiple submitters, no conflicts (2 of 4 stars). 3 submissions from 3 submitters: Uncertain significance (3). Last evaluated 2025-01-26.

Conditions:
Hereditary cancer-predisposing syndrome. Also called: Hereditary neoplastic syndrome; Neoplastic Syndromes, Hereditary; Tumor predisposition; Hereditary Cancer Syndrome. Identifiers: Orphanet 140162, MedGen C0027672, MeSH D009386, MONDO:0015356.
Familial adenomatous polyposis 1 (FAP1). Also called: POLYPOSIS, ADENOMATOUS INTESTINAL; FAMILIAL ADENOMATOUS POLYPOSIS 1, ATTENUATED. Identifiers: MedGen C2713442, MONDO:0021056, OMIM 175100. Disease mechanism: loss of function.

Submissions (3):

Labcorp Genetics (formerly Invitae), Labcorp
Classification: Uncertain significance for Familial adenomatous polyposis 1. Last evaluated: 2025-01-26. Review status: criteria provided, single submitter. Criteria: Invitae Variant Classification Sherloc (09022015). Collection method: clinical testing. Allele origin: germline.
Comment: This sequence change replaces arginine, which is basic and polar, with serine, which is neutral and polar, at codon 856 of the APC protein (p.Arg856Ser). This variant is not present in population databases (gnomAD no frequency). This variant has not been reported in the literature in individuals affected with APC-related conditions. ClinVar contains an entry for this variant (Variation ID: 1318531). Invitae Evidence Modeling of protein sequence and biophysical properties (such as structural, functional, and spatial information, amino acid conservation, physicochemical variation, residue mobility, and thermodynamic stability) indicates that this missense variant is not expected to disrupt APC protein function with a negative predictive value of 95%. In summary, the available evidence is currently insufficient to determine the role of this variant in disease. Therefore, it has been classified as a Variant of Uncertain Significance.

Ambry Genetics
Classification: Uncertain significance for Hereditary cancer-predisposing syndrome. Last evaluated: 2023-12-05. Review status: criteria provided, single submitter. Criteria: Ambry Variant Classification Scheme 2023. Collection method: clinical testing. Allele origin: germline.
Comment: The p.R856S variant (also known as c.2566C>A), located in coding exon 15 of the APC gene, results from a C to A substitution at nucleotide position 2566. The arginine at codon 856 is replaced by serine, an amino acid with dissimilar properties. This amino acid position is conserved. In addition, in silico predictors for this gene do not accurately predict pathogenicity. Since supporting evidence is limited at this time, the clinical significance of this alteration remains unclear.

GeneDx
Classification: Uncertain significance. Last evaluated: 2019-11-20. Review status: criteria provided, single submitter. Criteria: GeneDx Variant Classification Process June 2021. Collection method: clinical testing. Allele origin: germline. Affected: yes.
Comment: Not observed in large population cohorts (Lek 2016); In silico analysis, which includes protein predictors and evolutionary conservation, supports that this variant does not alter protein structure/function; Has not been previously published as pathogenic or benign to our knowledge

NM_000038.6(APC):c.2566C>A (p.Arg856Ser)

Gene: APC (APC regulator of Wnt signaling pathway; plus strand). Cytogenetic location: 5q22.2.
Variant type: single nucleotide variant.
Coding change: c.2566C>A on transcript NM_000038.6 (MANE Select); coding-DNA position 2566, C replaced by A.
Protein change: p.Arg856Ser; replaces arginine 856 with serine.
Molecular consequence: missense variant.
Genome position (GRCh38, 1-based): chr5:112,838,160, C>A. VCF-style: chr5-112838160-C-A. GRCh37 (hg19) VCF-style: chr5-112173857-C-A.
Other names: c.2566C>A, p.Arg856Ser (NM_001127510.3, NM_001354895.2); c.2512C>A, p.Arg838Ser (NM_001127511.3); c.2620C>A, p.Arg874Ser (NM_001354896.2); c.2596C>A, p.Arg866Ser (NM_001354897.2); c.2491C>A, p.Arg831Ser (NM_001354898.2); c.2482C>A, p.Arg828Ser (NM_001354899.2); c.2443C>A, p.Arg815Ser (NM_001354900.2); c.2389C>A, p.Arg797Ser (NM_001354901.2); and 5 more; short protein forms R573S, R696S, R730S, R755S, R765S, R797S, R815S, R828S.
Identifiers: ClinVar variation 1318531 (VCV001318531.6), dbSNP rs566005215, ClinGen allele CA16026957.